The following is an entry in ClinVar:

NM_000081.4(LYST):c.1559T>C (p.Leu520Pro)

Gene: LYST (lysosomal trafficking regulator; minus strand). Cytogenetic location: 1q42.3.
Variant type: single nucleotide variant.
Coding change: c.1559T>C on transcript NM_000081.4 (MANE Select); coding-DNA position 1559, T replaced by C.
Protein change: p.Leu520Pro; replaces leucine 520 with proline.
Molecular consequence: missense variant.
Genome position (GRCh38, 1-based): chr1:235,809,259, A>G on the plus strand (T>C on the coding strand, the complement: LYST is on the minus strand). VCF-style: chr1-235809259-A-G. GRCh37 (hg19) VCF-style: chr1-235972559-A-G.
Other names: c.1559T>C, p.Leu520Pro (NM_001301365.1); short protein forms L520P.
Identifiers: ClinVar variation 3670061 (VCV003670061.2).

ClinVar aggregate classification (germline): Uncertain significance (1 of 4 stars; one submission).

Conditions:
Chédiak-Higashi syndrome (CHS). Also called: Chediak-Higashi Syndrome. Identifiers: Orphanet 167, MedGen C0007965, MONDO:0008963, OMIM 214500.

Submission:

Labcorp Genetics (formerly Invitae), Labcorp
Classification: Uncertain significance for Chédiak-Higashi syndrome. Last evaluated: 2025-09-10. Review status: criteria provided, single submitter. Criteria: Invitae Variant Classification Sherloc (09022015). Collection method: clinical testing. Allele origin: germline.
Comment: This sequence change replaces leucine, which is neutral and non-polar, with proline, which is neutral and non-polar, at codon 520 of the LYST protein (p.Leu520Pro). This variant is not present in population databases (gnomAD no frequency). This variant has not been reported in the literature in individuals affected with LYST-related conditions. ClinVar contains an entry for this variant (Variation ID: 3670061). Invitae Evidence Modeling of protein sequence and biophysical properties (such as structural, functional, and spatial information, amino acid conservation, physicochemical variation, residue mobility, and thermodynamic stability) indicates that this missense variant is not expected to disrupt LYST protein function with a negative predictive value of 80%. In summary, the available evidence is currently insufficient to determine the role of this variant in disease. Therefore, it has been classified as a Variant of Uncertain Significance.